The following is an entry in ClinVar:

NM_002150.3(HPD):c.895C>T (p.Leu299=)

Genes: HPD (4-hydroxyphenylpyruvate dioxygenase; minus strand), TIALD (transcript inducer of AURKA lysosomal degradation; plus strand). Cytogenetic location: 12q24.31.
Variant type: single nucleotide variant.
Coding change: c.895C>T on transcript NM_002150.3 (MANE Select); coding-DNA position 895, C replaced by T.
Protein change: p.Leu299=; no amino-acid change (leucine 299 retained).
Molecular consequence: synonymous variant.
Genome position (GRCh38, 1-based): chr12:121,843,769, G>A on the plus strand (C>T on the coding strand, the complement: HPD is on the minus strand). VCF-style: chr12-121843769-G-A. GRCh37 (hg19) VCF-style: chr12-122281675-G-A.
Other names: c.778C>T, p.Leu260= (NM_001171993.2).
Identifiers: ClinVar variation 307481 (VCV000307481.14), dbSNP rs144544907, ClinGen allele CA6839490.

ClinVar aggregate classification (germline): Conflicting classifications of pathogenicity. Review status: criteria provided, conflicting classifications (1 of 4 stars). 4 submissions from 3 submitters: Uncertain significance (1); Benign (2). 1 of the submissions does not count toward it. Last evaluated 2025-04-30.

Conditions:
Hawkinsinuria. Identifiers: Orphanet 2118, MedGen C2931042, MONDO:0007700, OMIM 140350, HP:0034457.
Tyrosinemia type III. Also called: Tyrosinemia type 3; 4-alpha hydroxyphenylpyruvic acid oxidase deficiency; 4-alpha hydroxyphenylpyruvate dioxygenase deficiency; 4-Hydroxyphenylpyruvate dioxygenase deficiency; 4-HYDROXYPHENYLPYRUVIC ACID OXIDASE DEFICIENCY. Identifiers: Orphanet 69723, MedGen C0268623, MONDO:0010162, OMIM 276710.
HPD-related disorder. Also called: HPD-related condition.

Allele frequency attached by ClinVar (database versions not stated): gnomAD exomes 0.00010; ExAC 0.00013; 1000 Genomes Project 30x 0.00016; 1000 Genomes Project 0.00020; gnomAD 0.00037 and 0.00041; TOPMed 0.00043; ESP Exome Variant Server 0.00062.
gnomAD v4.1: 113 of 1,614,146 alleles (0.007%); highest among the groups gnomAD compares: African/African-American, 0.15%; 1 homozygote.

Submissions (4):

Labcorp Genetics (formerly Invitae), Labcorp
Classification: Benign for Tyrosinemia type III; Hawkinsinuria. Last evaluated: 2025-04-30. Review status: criteria provided, single submitter. Criteria: Invitae Variant Classification Sherloc (09022015). Collection method: clinical testing. Allele origin: germline.

Illumina Laboratory Services, Illumina
Classification: Uncertain significance for Tyrosinemia type III. Last evaluated: 2018-01-12. Review status: criteria provided, single submitter. Criteria: ICSL Variant Classification Criteria 13 December 2019. Collection method: clinical testing. Allele origin: germline.

Illumina Laboratory Services, Illumina
Classification: Benign for Hawkinsinuria. Last evaluated: 2018-01-12. Review status: criteria provided, single submitter. Criteria: ICSL Variant Classification Criteria 13 December 2019. Collection method: clinical testing. Allele origin: germline.
Comment: This variant was observed in the ICSL laboratory as part of a predisposition screen in an ostensibly healthy population. It had not been previously curated by ICSL or reported in the Human Gene Mutation Database (HGMD: prior to June 1st, 2018), and was therefore a candidate for classification through an automated scoring system. Utilizing variant allele frequency, disease prevalence and penetrance estimates, and inheritance mode, an automated score was calculated to assess if this variant is too frequent to cause the disease. Based on the score and internal cut-off values, a variant classified as benign is not then subjected to further curation. The score for this variant resulted in a classification of benign for this disease.

PreventionGenetics, part of Exact Sciences
Classification: Likely benign for HPD-related condition. Last evaluated: 2019-12-05. Review status: no assertion criteria provided. Collection method: clinical testing. Allele origin: germline. Not counted in ClinVar's aggregate classification.
Comment: This variant is classified as likely benign based on ACMG/AMP sequence variant interpretation guidelines (Richards et al. 2015 PMID: 25741868, with internal and published modifications).